The following is an entry in ClinVar:

NM_014845.6(FIG4):c.1981G>T (p.Val661Leu)

Gene: FIG4 (FIG4 phosphoinositide 5-phosphatase; plus strand). Cytogenetic location: 6q21.
Variant type: single nucleotide variant.
Coding change: c.1981G>T on transcript NM_014845.6 (MANE Select); coding-DNA position 1981, G replaced by T.
Protein change: p.Val661Leu; replaces valine 661 with leucine.
Molecular consequence: missense variant.
Genome position (GRCh38, 1-based): chr6:109,786,334, G>T. VCF-style: chr6-109786334-G-T. GRCh37 (hg19) VCF-style: chr6-110107537-G-T.
Other names: short protein forms V661L.
Identifiers: ClinVar variation 2129243 (VCV002129243.4), dbSNP rs1318364122, ClinGen allele CA365231759.
Genomic context (GRCh38, chr6:109,786,334, plus strand): 5'-TTAGAGTAACATGCAGTATCTCTCTTAGTTATCTGTGCTGTGAACTTAAAGAAGTTGATA[G>T]TGAAGAAATTCCACAAATATGAAGAAGAGATTGATATCCACAATGAGTTCTTTCGGCCAT-3'
Protein context (NP_055660.1, residues 651-671): ICAVNLKKLI[Val661Leu]KKFHKYEEEI

ClinVar aggregate classification (germline): Uncertain significance (1 of 4 stars; one submission).

Conditions:
Charcot-Marie-Tooth disease type 4. Also called: Charcot-Marie-Tooth, Type 4; Charcot-Marie-Tooth disease, type IV. Identifiers: Orphanet 64749, MedGen C4082197, MONDO:0018995.

Submission:

Labcorp Genetics (formerly Invitae), Labcorp
Classification: Uncertain significance for Charcot-Marie-Tooth disease type 4. Last evaluated: 2022-07-13. Review status: criteria provided, single submitter. Criteria: Invitae Variant Classification Sherloc (09022015). Collection method: clinical testing. Allele origin: germline.
Comment: This sequence change replaces valine, which is neutral and non-polar, with leucine, which is neutral and non-polar, at codon 661 of the FIG4 protein (p.Val661Leu). This variant is not present in population databases (gnomAD no frequency). This variant has not been reported in the literature in individuals affected with FIG4-related conditions. Algorithms developed to predict the effect of missense changes on protein structure and function (SIFT, PolyPhen-2, Align-GVGD) all suggest that this variant is likely to be tolerated. In summary, the available evidence is currently insufficient to determine the role of this variant in disease. Therefore, it has been classified as a Variant of Uncertain Significance.